The following is an entry in ClinVar:

ClinVar aggregate classification (germline): Uncertain significance (1 of 4 stars; one submission).

gnomAD v4.1: 2 of 1,518,586 alleles (0.00013%); highest among the groups gnomAD compares: Non-Finnish European, 0.000088%; no homozygotes.

Submission:

GeneDx
Classification: Uncertain significance. Last evaluated: 2025-03-13. Review status: criteria provided, single submitter. Criteria: GeneDx Variant Classification Process June 2021. Collection method: clinical testing. Allele origin: germline. Affected: yes.
Comment: Not observed at significant frequency in large population cohorts (gnomAD); In silico analysis supports that this missense variant has a deleterious effect on protein structure/function; Has not been previously published as pathogenic or benign to our knowledge

NM_001374353.1(GLI2):c.2554G>A (p.Ala852Thr)

Gene: GLI2 (GLI family zinc finger 2; plus strand). Cytogenetic location: 2q14.2.
Variant type: single nucleotide variant.
Coding change: c.2554G>A on transcript NM_001374353.1 (MANE Select); coding-DNA position 2554, G replaced by A.
Protein change: p.Ala852Thr; replaces alanine 852 with threonine.
Molecular consequence: missense variant.
Genome position (GRCh38, 1-based): chr2:120,988,519, G>A. VCF-style: chr2-120988519-G-A. GRCh37 (hg19) VCF-style: chr2-121746095-G-A.
Other names: c.2605G>A, p.Ala869Thr (NM_001371271.1, NM_005270.5); c.2179G>A, p.Ala727Thr (NM_001374354.1); short protein forms A727T, A852T, A869T.
Identifiers: ClinVar variation 4083426 (VCV004083426.1).
Genomic context (GRCh38, chr2:120,988,519, plus strand): 5'-GCGAGCTCCGCTGACTCCTACGACCCCATCTCCACGGACGCGTCGCGGCGCTCGAGCGAG[G>A]CCAGCCAGTGCAGCGGCGGCTCCGGGCTGCTCAACCTCACGCCGGCGCAGCAGTACAGCC-3'
Protein context (NP_001361282.1, residues 842-862): STDASRRSSE[Ala852Thr]SQCSGGSGLL